The following is an entry in ClinVar:

NM_014241.4(HACD1):c.292T>C (p.Tyr98His)

Gene: HACD1 (3-hydroxyacyl-CoA dehydratase 1; minus strand). Cytogenetic location: 10p12.33.
Variant type: single nucleotide variant.
Coding change: c.292T>C on transcript NM_014241.4 (MANE Select); coding-DNA position 292, T replaced by C.
Protein change: p.Tyr98His; replaces tyrosine 98 with histidine.
Molecular consequence: missense variant.
Genome position (GRCh38, 1-based): chr10:17,604,013, A>G on the plus strand (T>C on the coding strand, the complement: HACD1 is on the minus strand). VCF-style: chr10-17604013-A-G. GRCh37 (hg19) VCF-style: chr10-17646012-A-G.
Other names: short protein forms Y98H.
Identifiers: ClinVar variation 1353463 (VCV001353463.6), dbSNP rs782423971, ClinGen allele CA376197011.
Genomic context (GRCh38, chr10:17,604,013, plus strand): 5'-AAAATTTAAGTGTCTTCTGAATACTTTTATATAAACCTCTGTGTGTTCCTTTTTCCATAT[A>G]AAAACGTACCATGGCAATAGCTAGAACCAACCACCTAAAAAAAAAAAGTATTTCATAAAG-3'
Protein context (NP_055056.3, residues 88-108): LVLAIAMVRF[Tyr98His]MEKGTHRGLY

ClinVar aggregate classification (germline): Uncertain significance (1 of 4 stars; one submission).

Submission:

Labcorp Genetics (formerly Invitae), Labcorp
Classification: Uncertain significance. Last evaluated: 2024-02-24. Review status: criteria provided, single submitter. Criteria: Invitae Variant Classification Sherloc (09022015). Collection method: clinical testing. Allele origin: germline.
Comment: This sequence change replaces tyrosine, which is neutral and polar, with histidine, which is basic and polar, at codon 98 of the HACD1 protein (p.Tyr98His). This variant is not present in population databases (gnomAD no frequency). This variant has not been reported in the literature in individuals affected with HACD1-related conditions. ClinVar contains an entry for this variant (Variation ID: 1353463). Advanced modeling of protein sequence and biophysical properties (such as structural, functional, and spatial information, amino acid conservation, physicochemical variation, residue mobility, and thermodynamic stability) performed at Invitae indicates that this missense variant is not expected to disrupt HACD1 protein function with a negative predictive value of 80%. In summary, the available evidence is currently insufficient to determine the role of this variant in disease. Therefore, it has been classified as a Variant of Uncertain Significance.